The following is an entry in ClinVar:

NM_000038.6(APC):c.2932C>A (p.Gln978Lys)

Gene: APC (APC regulator of Wnt signaling pathway; plus strand). Cytogenetic location: 5q22.2.
Variant type: single nucleotide variant.
Coding change: c.2932C>A on transcript NM_000038.6 (MANE Select); coding-DNA position 2932, C replaced by A.
Protein change: p.Gln978Lys; replaces glutamine 978 with lysine.
Molecular consequence: missense variant.
Genome position (GRCh38, 1-based): chr5:112,838,526, C>A. VCF-style: chr5-112838526-C-A. GRCh37 (hg19) VCF-style: chr5-112174223-C-A.
Other names: c.2932C>A, p.Gln978Lys (NM_001127510.3, NM_001354895.2); c.2878C>A, p.Gln960Lys (NM_001127511.3); c.2986C>A, p.Gln996Lys (NM_001354896.2); c.2962C>A, p.Gln988Lys (NM_001354897.2); c.2857C>A, p.Gln953Lys (NM_001354898.2); c.2848C>A, p.Gln950Lys (NM_001354899.2); c.2809C>A, p.Gln937Lys (NM_001354900.2); c.2755C>A, p.Gln919Lys (NM_001354901.2); and 5 more; short protein forms Q818K, Q877K, Q950K, Q953K, Q695K, Q852K, Q937K, Q960K.
Identifiers: ClinVar variation 859020 (VCV000859020.17), dbSNP rs1765298309, ClinGen allele CA16027734.

ClinVar aggregate classification (germline): Uncertain significance. Review status: criteria provided, multiple submitters, no conflicts (2 of 4 stars). 4 submissions from 4 submitters: Uncertain significance (4). Last evaluated 2025-07-30.

Conditions:
Familial adenomatous polyposis 1 (FAP1). Also called: FAMILIAL ADENOMATOUS POLYPOSIS 1, ATTENUATED; POLYPOSIS, ADENOMATOUS INTESTINAL. Identifiers: MedGen C2713442, MONDO:0021056, OMIM 175100. Disease mechanism: loss of function.
Hereditary cancer-predisposing syndrome. Also called: Tumor predisposition; Hereditary neoplastic syndrome; Neoplastic Syndromes, Hereditary; Hereditary Cancer Syndrome. Identifiers: Orphanet 140162, MedGen C0027672, MeSH D009386, MONDO:0015356.

Allele frequency attached by ClinVar (database versions not stated): gnomAD exomes below 0.00001.
gnomAD v4.1: 1 of 1,614,110 alleles (0.000062%); highest among the groups gnomAD compares: Middle Eastern, 0.016%; no homozygotes.

Submissions (4):

Labcorp Genetics (formerly Invitae), Labcorp
Classification: Uncertain significance for Familial adenomatous polyposis 1. Last evaluated: 2025-07-30. Review status: criteria provided, single submitter. Criteria: Invitae Variant Classification Sherloc (09022015). Collection method: clinical testing. Allele origin: germline.
Comment: This sequence change replaces glutamine, which is neutral and polar, with lysine, which is basic and polar, at codon 978 of the APC protein (p.Gln978Lys). This variant is not present in population databases (gnomAD no frequency). This variant has not been reported in the literature in individuals affected with APC-related conditions. ClinVar contains an entry for this variant (Variation ID: 859020). Invitae Evidence Modeling of protein sequence and biophysical properties (such as structural, functional, and spatial information, amino acid conservation, physicochemical variation, residue mobility, and thermodynamic stability) indicates that this missense variant is not expected to disrupt APC protein function with a negative predictive value of 95%. In summary, the available evidence is currently insufficient to determine the role of this variant in disease. Therefore, it has been classified as a Variant of Uncertain Significance.

ARUP Laboratories, Molecular Genetics and Genomics, ARUP Laboratories
Classification: Uncertain significance. Last evaluated: 2025-07-21. Review status: criteria provided, single submitter. Criteria: ARUP Molecular Germline Variant Investigation Process 2024. Collection method: clinical testing. Allele origin: germline.
Comment: The APC c.2932C>A; p.Gln978Lys variant (rs1765298309), to our knowledge, is not reported in the medical literature but is reported in ClinVar (Variation ID: 859020). This variant is also absent from the Genome Aggregation Database (v2.1.1), indicating it is not a common polymorphism. Computational analyses are uncertain whether this variant is neutral or deleterious (REVEL: 0.496). The vast majority of pathogenic APC variants are truncating nonsense or frameshift variants (see InSiGHt, Kerr 2013). However, given the lack of clinical and functional data, the significance of this variant is uncertain at this time. References: Link to InSiGHt. Kerr SE et al. APC germline mutations in individuals being evaluated for familial adenomatous polyposis: a review of the Mayo Clinic experience with 1591 consecutive tests. J Mol Diagn. 2013 Jan;15(1):31-43. PMID: 23159591.

Ambry Genetics
Classification: Uncertain significance for Hereditary cancer-predisposing syndrome. Last evaluated: 2025-05-15. Review status: criteria provided, single submitter. Criteria: Ambry Variant Classification Scheme 2023. Collection method: clinical testing. Allele origin: germline.
Comment: The p.Q978K variant (also known as c.2932C>A), located in coding exon 15 of the APC gene, results from a C to A substitution at nucleotide position 2932. The glutamine at codon 978 is replaced by lysine, an amino acid with similar properties. This amino acid position is well conserved in available vertebrate species. In addition, in silico predictors for this gene do not accurately predict pathogenicity. Based on the available evidence, the clinical significance of this variant remains unclear.

Color Diagnostics, LLC DBA Color Health
Classification: Uncertain significance for Hereditary cancer-predisposing syndrome. Last evaluated: 2024-03-06. Review status: criteria provided, single submitter. Criteria: ACMG Guidelines, 2015. Collection method: clinical testing. Allele origin: germline.
Comment: This missense variant replaces glutamine with lysine at codon 978 of the APC protein. Computational prediction suggests that this variant may not impact protein structure and function (internally defined REVEL score threshold <= 0.5, PMID: 27666373). To our knowledge, functional studies have not been reported for this variant. This variant has not been reported in individuals affected with hereditary cancer in the literature. This variant has not been identified in the general population by the Genome Aggregation Database (gnomAD). The available evidence is insufficient to determine the role of this variant in disease conclusively. Therefore, this variant is classified as a Variant of Uncertain Significance.